The following is an entry in ClinVar:

NM_001376.5(DYNC1H1):c.491A>G (p.Tyr164Cys)

Gene: DYNC1H1 (dynein cytoplasmic 1 heavy chain 1; plus strand). Cytogenetic location: 14q32.31.
Variant type: single nucleotide variant.
Coding change: c.491A>G on transcript NM_001376.5 (MANE Select); coding-DNA position 491, A replaced by G.
Protein change: p.Tyr164Cys; replaces tyrosine 164 with cysteine.
Molecular consequence: missense variant.
Genome position (GRCh38, 1-based): chr14:101,979,465, A>G. VCF-style: chr14-101979465-A-G. GRCh37 (hg19) VCF-style: chr14-102445802-A-G.
Other names: short protein forms Y164C.
Identifiers: ClinVar variation 2825323 (VCV002825323.3), dbSNP rs2503678196, ClinGen allele CA391007861.
Genomic context (GRCh38, chr14:101,979,465, plus strand): 5'-CGCCCTACGAAACTTTGCATTCTTTCATTAGCAATGCAGTGGCTCCTTTTTTTAAGTCCT[A>G]CATTAGAGAGTCTGGCAAGGCAGACAGGTAAAAACTGTGGTTTGAATGTTATATTTCACT-3'
Protein context (NP_001367.2, residues 154-174): SNAVAPFFKS[Tyr164Cys]IRESGKADRD

ClinVar aggregate classification (germline): Uncertain significance (1 of 4 stars; one submission).

Conditions:
Charcot-Marie-Tooth disease axonal type 2O. Also called: CHARCOT-MARIE-TOOTH NEUROPATHY, AXONAL, TYPE 2O; CHARCOT-MARIE-TOOTH DISEASE, AXONAL, AUTOSOMAL DOMINANT, TYPE 2O; Charcot-Marie-Tooth Neuropathy Type 2O; Charcot-Marie-Tooth disease, axonal, type 20. Identifiers: Orphanet 284232, MedGen C3280220, MONDO:0013644, OMIM 614228.

Submission:

Labcorp Genetics (formerly Invitae), Labcorp
Classification: Uncertain significance for Charcot-Marie-Tooth disease axonal type 2O. Last evaluated: 2022-12-31. Review status: criteria provided, single submitter. Criteria: Invitae Variant Classification Sherloc (09022015). Collection method: clinical testing. Allele origin: germline.
Comment: This sequence change replaces tyrosine, which is neutral and polar, with cysteine, which is neutral and slightly polar, at codon 164 of the DYNC1H1 protein (p.Tyr164Cys). This variant is not present in population databases (gnomAD no frequency). This variant has not been reported in the literature in individuals affected with DYNC1H1-related conditions. Advanced modeling of protein sequence and biophysical properties (such as structural, functional, and spatial information, amino acid conservation, physicochemical variation, residue mobility, and thermodynamic stability) has been performed at Invitae for this missense variant, however the output from this modeling did not meet the statistical confidence thresholds required to predict the impact of this variant on DYNC1H1 protein function. In summary, the available evidence is currently insufficient to determine the role of this variant in disease. Therefore, it has been classified as a Variant of Uncertain Significance.